The following is an entry in ClinVar:

ClinVar aggregate classification (germline): Uncertain significance (1 of 4 stars; one submission).

gnomAD v4.1: 16 of 1,613,726 alleles (0.00099%); highest among the groups gnomAD compares: Admixed American, 0.01%; no homozygotes.

Submission:

Labcorp Genetics (formerly Invitae), Labcorp
Classification: Uncertain significance. Last evaluated: 2022-02-24. Review status: criteria provided, single submitter. Criteria: Invitae Variant Classification Sherloc (09022015). Collection method: clinical testing. Allele origin: germline.
Comment: This sequence change replaces asparagine, which is neutral and polar, with serine, which is neutral and polar, at codon 528 of the LTBP2 protein (p.Asn528Ser). This variant is present in population databases (no rsID available, gnomAD no frequency). This variant has not been reported in the literature in individuals affected with LTBP2-related conditions. Algorithms developed to predict the effect of missense changes on protein structure and function output the following: SIFT: "Tolerated"; PolyPhen-2: "Benign"; Align-GVGD: "Class C0". The serine amino acid residue is found in multiple mammalian species, which suggests that this missense change does not adversely affect protein function. In summary, the available evidence is currently insufficient to determine the role of this variant in disease. Therefore, it has been classified as a Variant of Uncertain Significance.

NM_000428.3(LTBP2):c.1583A>G (p.Asn528Ser)

Gene: LTBP2 (latent transforming growth factor beta binding protein 2; minus strand). Cytogenetic location: 14q24.3.
Variant type: single nucleotide variant.
Coding change: c.1583A>G on transcript NM_000428.3 (MANE Select); coding-DNA position 1583, A replaced by G.
Protein change: p.Asn528Ser; replaces asparagine 528 with serine.
Molecular consequence: missense variant.
Genome position (GRCh38, 1-based): chr14:74,551,167, T>C on the plus strand (A>G on the coding strand, the complement: LTBP2 is on the minus strand). VCF-style: chr14-74551167-T-C. GRCh37 (hg19) VCF-style: chr14-75017870-T-C.
Other names: short protein forms N528S.
Identifiers: ClinVar variation 1521338 (VCV001521338.5), dbSNP rs201484114, ClinGen allele CA263606402.